The following is an entry in ClinVar:

NM_001145809.2(MYH14):c.198G>A (p.Glu66=)

Gene: MYH14 (myosin heavy chain 14; plus strand). Cytogenetic location: 19q13.33.
Variant type: single nucleotide variant.
Coding change: c.198G>A on transcript NM_001145809.2 (MANE Select); coding-DNA position 198, G replaced by A.
Protein change: p.Glu66=; no amino-acid change (glutamic acid 66 retained).
Molecular consequence: synonymous variant.
Genome position (GRCh38, 1-based): chr19:50,210,563, G>A. VCF-style: chr19-50210563-G-A. GRCh37 (hg19) VCF-style: chr19-50713820-G-A.
Other names: c.198G>A, p.Glu66= (NM_001077186.2, NM_024729.4).
Identifiers: ClinVar variation 4084978 (VCV004084978.8).
Genomic context (GRCh38, chr19:50,210,563, plus strand): 5'-GCAGGTGGAGTGGACGGCCCGGCGTCTCGTGTGGGTGCCTTCGGAGCTTCACGGGTTCGA[G>A]GCGGCGGCGCTGCGGGACGAAGGCGAGGAGGAGGCGGAGGTGGAGCTGGCGGAGAGCGGG-3'
Protein context (NP_001139281.1, residues 56-76): VWVPSELHGF[Glu66=]AAALRDEGEE

ClinVar aggregate classification (germline): Likely benign (1 of 4 stars; one submission).

gnomAD v4.1: 7 of 1,581,608 alleles (0.00044%); highest among the groups gnomAD compares: African/African-American, 0.0027%; no homozygotes.

Submission:

CeGaT Center for Human Genetics Tuebingen
Classification: Likely benign. Last evaluated: 2025-06-01. Review status: criteria provided, single submitter. Criteria: CeGaT Center For Human Genetics Tuebingen Variant Classification Criteria Version 2. Collection method: clinical testing. Allele origin: germline. Affected: yes. Observed: 1 variant allele.
Comment: MYH14: BP4, BP7